The following is an entry in ClinVar:

ClinVar aggregate classification (germline): Uncertain significance. Review status: criteria provided, multiple submitters, no conflicts (2 of 4 stars). 2 submissions from 2 submitters: Uncertain significance (2). Last evaluated 2025-10-29.

Conditions:
Multiple endocrine neoplasia, type 2 (MEN2). Identifiers: Orphanet 653, MedGen C4048306, MONDO:0019003. Disease mechanism: gain of function.
Hereditary cancer-predisposing syndrome. Also called: Neoplastic Syndromes, Hereditary; Tumor predisposition; Hereditary neoplastic syndrome; Hereditary Cancer Syndrome. Identifiers: Orphanet 140162, MedGen C0027672, MeSH D009386, MONDO:0015356.

Allele frequency attached by ClinVar (database versions not stated): gnomAD 0.00001.

Submissions (2):

Ambry Genetics
Classification: Uncertain significance for Hereditary cancer-predisposing syndrome. Last evaluated: 2025-10-29. Review status: criteria provided, single submitter. Criteria: Ambry Variant Classification Scheme 2023. Collection method: clinical testing. Allele origin: germline.
Comment: The p.A420V variant (also known as c.1259C>T), located in coding exon 6 of the RET gene, results from a C to T substitution at nucleotide position 1259. The alanine at codon 420 is replaced by valine, an amino acid with similar properties. This amino acid position is conserved. In addition, the in silico prediction for this alteration is inconclusive. Based on the available evidence, the clinical significance of this variant remains unclear.

All of Us Research Program, National Institutes of Health
Classification: Uncertain significance for Multiple endocrine neoplasia, type 2. Last evaluated: 2023-11-20. Review status: criteria provided, single submitter. Criteria: ACMG Guidelines, 2015. Collection method: clinical testing. Allele origin: germline. Inheritance: Autosomal dominant inheritance. Observed: 1 variant allele, 1 heterozygote.
Comment: This missense variant replaces alanine with valine at codon 420 of the RET protein. Computational prediction suggests that this variant may not impact protein structure and function (internally defined REVEL score threshold <= 0.5, PMID: 27666373). To our knowledge, functional studies have not been reported for this variant. This variant has not been reported in individuals affected with RET-related disorders in the literature. This variant has not been identified in the general population by the Genome Aggregation Database (gnomAD). The available evidence is insufficient to determine the role of this variant in disease conclusively. Therefore, this variant is classified as a Variant of Uncertain Significance.

This study involves interpretation of variants in research participants for the purpose of population health screening. Participant phenotype was not available at the time of variant classification. Additional details can be found in publication PMID: 35346344, PMCID: PMC8962531

NM_020975.6(RET):c.1259C>T (p.Ala420Val)

Gene: RET (ret proto-oncogene; plus strand). Cytogenetic location: 10q11.21.
Variant type: single nucleotide variant.
Coding change: c.1259C>T on transcript NM_020975.6 (MANE Select); coding-DNA position 1259, C replaced by T.
Protein change: p.Ala420Val; replaces alanine 420 with valine.
Molecular consequence: missense variant. On other transcripts: intron variant (18).
Genome position (GRCh38, 1-based): chr10:43,109,226, C>T. VCF-style: chr10-43109226-C-T. GRCh37 (hg19) VCF-style: chr10-43604674-C-T.
Other names: c.1259C>T, p.Ala420Val (NM_000323.2, NM_001406743.1, NM_001406744.1 and 6 more transcripts); c.497C>T, p.Ala166Val (NM_001355216.2); c.1130C>T, p.Ala377Val (NM_001406761.1, NM_001406762.1, NM_001406764.1 and 1 more transcripts); c.971C>T, p.Ala324Val (NM_001406766.1, NM_001406767.1, NM_001406770.1); c.821C>T, p.Ala274Val (NM_001406771.1, NM_001406773.1); c.533C>T, p.Ala178Val (NM_001406775.1, NM_001406776.1, NM_001406777.1 and 1 more transcripts); c.269C>T, p.Ala90Val (NM_001406784.1); c.868-1981C>T (NM_001406772.1, NM_001406769.1); and 5 more; short protein forms A166V, A178V, A274V, A324V, A377V, A420V, A90V.
Identifiers: ClinVar variation 3074492 (VCV003074492.2), dbSNP rs1837860722, ClinGen allele CA376548108.